The following is an entry in ClinVar:

ClinVar aggregate classification (germline): Uncertain significance (1 of 4 stars; one submission).

Allele frequency attached by ClinVar (database versions not stated): TOPMed below 0.00001; gnomAD exomes 0.00002.
gnomAD v4.1: 19 of 1,325,076 alleles (0.0014%); highest among the groups gnomAD compares: Non-Finnish European, 0.0018%; no homozygotes.

Submission:

Labcorp Genetics (formerly Invitae), Labcorp
Classification: Uncertain significance. Last evaluated: 2025-05-14. Review status: criteria provided, single submitter. Criteria: Invitae Variant Classification Sherloc (09022015). Collection method: clinical testing. Allele origin: germline.
Comment: This sequence change replaces glutamic acid, which is acidic and polar, with glycine, which is neutral and non-polar, at codon 23 of the AUTS2 protein (p.Glu23Gly). This variant is not present in population databases (gnomAD no frequency). This variant has not been reported in the literature in individuals affected with AUTS2-related conditions. ClinVar contains an entry for this variant (Variation ID: 2073845). An algorithm developed to predict the effect of missense changes on protein structure and function (PolyPhen-2) suggests that this variant is likely to be disruptive. In summary, the available evidence is currently insufficient to determine the role of this variant in disease. Therefore, it has been classified as a Variant of Uncertain Significance.

NM_015570.4(AUTS2):c.68A>G (p.Glu23Gly)

Genes: AUTS2 (activator of transcription and developmental regulator AUTS2; plus strand), LOC129998550 (ATAC-STARR-seq lymphoblastoid silent region 18224; plus strand). Cytogenetic location: 7q11.22.
Variant type: single nucleotide variant.
Coding change: c.68A>G on transcript NM_015570.4 (MANE Select); coding-DNA position 68, A replaced by G.
Protein change: p.Glu23Gly; replaces glutamic acid 23 with glycine.
Molecular consequence: missense variant.
Genome position (GRCh38, 1-based): chr7:69,599,721, A>G. VCF-style: chr7-69599721-A-G. GRCh37 (hg19) VCF-style: chr7-69064707-A-G.
Other names: c.68A>G, p.Glu23Gly (NM_001127231.3, NM_001127232.3); short protein forms E23G.
Identifiers: ClinVar variation 2073845 (VCV002073845.4), dbSNP rs1792262777, ClinGen allele CA367702799.